The following is an entry in ClinVar:

NM_001206927.2(DNAH8):c.2552G>A (p.Ser851Asn)

Gene: DNAH8 (dynein axonemal heavy chain 8; plus strand). Cytogenetic location: 6p21.2.
Variant type: single nucleotide variant.
Coding change: c.2552G>A on transcript NM_001206927.2 (MANE Select); coding-DNA position 2552, G replaced by A.
Protein change: p.Ser851Asn; replaces serine 851 with asparagine.
Molecular consequence: missense variant.
Genome position (GRCh38, 1-based): chr6:38,786,921, G>A. VCF-style: chr6-38786921-G-A. GRCh37 (hg19) VCF-style: chr6-38754697-G-A.
Other names: c.1901G>A, p.Ser634Asn (NM_001371.4); c.2552G>A (NM_001206927.1); short protein forms S634N, S851N.
Identifiers: ClinVar variation 1520620 (VCV001520620.9), dbSNP rs1271804469, ClinGen allele CA363990420.

ClinVar aggregate classification (germline): Uncertain significance. Review status: criteria provided, multiple submitters, no conflicts (2 of 4 stars). 2 submissions from 2 submitters: Uncertain significance (2). Last evaluated 2022-06-01.

Conditions:
Primary ciliary dyskinesia. Also called: Ciliary dyskinesia. Identifiers: Orphanet 244, MedGen C0008780, MONDO:0016575, HP:0012265.

Allele frequency attached by ClinVar (database versions not stated): gnomAD 0.00001; TOPMed 0.00001.
gnomAD v4.1: 2 of 1,608,842 alleles (0.00012%); highest among the groups gnomAD compares: East Asian, 0.0022%; no homozygotes.

Submissions (2):

Labcorp Genetics (formerly Invitae), Labcorp
Classification: Uncertain significance for Primary ciliary dyskinesia. Last evaluated: 2022-06-01. Review status: criteria provided, single submitter. Criteria: Invitae Variant Classification Sherloc (09022015). Collection method: clinical testing. Allele origin: germline.
Comment: This sequence change replaces serine, which is neutral and polar, with asparagine, which is neutral and polar, at codon 851 of the DNAH8 protein (p.Ser851Asn). This variant is not present in population databases (gnomAD no frequency). This variant has not been reported in the literature in individuals affected with DNAH8-related conditions. ClinVar contains an entry for this variant (Variation ID: 1520620). Algorithms developed to predict the effect of missense changes on protein structure and function output the following: SIFT: "Tolerated"; PolyPhen-2: "Not Available"; Align-GVGD: "Class C0". The asparagine amino acid residue is found in multiple mammalian species, which suggests that this missense change does not adversely affect protein function. In summary, the available evidence is currently insufficient to determine the role of this variant in disease. Therefore, it has been classified as a Variant of Uncertain Significance.

Ambry Genetics
Classification: Uncertain significance. Last evaluated: 2022-04-01. Review status: criteria provided, single submitter. Criteria: Ambry Variant Classification Scheme 2023. Collection method: clinical testing. Allele origin: germline.